The following is an entry in ClinVar:

NM_015627.3(LDLRAP1):c.532+1G>A

Gene: LDLRAP1 (low density lipoprotein receptor adaptor protein 1; plus strand). Cytogenetic location: 1p36.11.
Variant type: single nucleotide variant.
Coding change: c.532+1G>A on transcript NM_015627.3 (MANE Select); the canonical splice donor site of the intron after coding-DNA position 532, G replaced by A.
Molecular consequence: splice donor variant.
Genome position (GRCh38, 1-based): chr1:25,562,717, G>A. VCF-style: chr1-25562717-G-A. GRCh37 (hg19) VCF-style: chr1-25889208-G-A.
Other names: c.532+1G>A (NM_015627.2).
Identifiers: ClinVar variation 2994776 (VCV002994776.5), dbSNP rs769595182, ClinGen allele CA695588.
Genomic context (GRCh38, chr1:25,562,717, plus strand): 5'-CCCTCACCGTAGCCCAGGCCTTCAAAGTCGCCTTTGAGTTTTGGCAGGTGTCCAAGGAAG[G>A]TGAGACTTTGCATCTACATTGTGGGTGTGGTGGGAGGTGGGGAGACACATAAAGGCCCTG-3'

ClinVar aggregate classification (germline): Likely pathogenic. Review status: criteria provided, multiple submitters, no conflicts (2 of 4 stars). 2 submissions from 2 submitters: Likely pathogenic (2). Last evaluated 2026-01-12.

Conditions:
Hypercholesterolemia, familial, 4 (FHCL4). Also called: HYPERCHOLESTEROLEMIA, AUTOSOMAL RECESSIVE, 1; HYPERCHOLESTEROLEMIA, AUTOSOMAL RECESSIVE, 2. Identifiers: Orphanet 391665, MedGen C1863512, MONDO:0011374, OMIM 603813.
Cardiovascular phenotype. Identifiers: MedGen CN230736.

Allele frequency attached by ClinVar (database versions not stated): ExAC 0.00001; gnomAD 0.00001; gnomAD exomes 0.00001.
gnomAD v4.1: 4 of 1,613,758 alleles (0.00025%); highest among the groups gnomAD compares: Admixed American, 0.005%; no homozygotes.

Submissions (2):

Ambry Genetics
Classification: Likely pathogenic for Cardiovascular phenotype. Last evaluated: 2026-01-12. Review status: criteria provided, single submitter. Criteria: Ambry Variant Classification Scheme 2023. Collection method: clinical testing. Allele origin: germline.
Comment: The c.532+1G>A intronic variant results from a G to A substitution one nucleotide after coding exon 5 of the LDLRAP1 gene. This nucleotide position is highly conserved in available vertebrate species. In silico splice site analysis predicts that this alteration will weaken the native splice donor site. Alterations that disrupt the canonical splice site are expected to cause aberrant splicing, resulting in an abnormal protein or a transcript that is subject to nonsense-mediated mRNA decay. As such, this alteration is classified as likely pathogenic.

Labcorp Genetics (formerly Invitae), Labcorp
Classification: Likely pathogenic for Hypercholesterolemia, familial, 4. Last evaluated: 2023-02-27. Review status: criteria provided, single submitter. Criteria: Invitae Variant Classification Sherloc (09022015). Collection method: clinical testing. Allele origin: germline.
Comment: This sequence change affects a donor splice site in intron 5 of the LDLRAP1 gene. It is expected to disrupt RNA splicing. Variants that disrupt the donor or acceptor splice site typically lead to a loss of protein function (PMID: 16199547), and loss-of-function variants in LDLRAP1 are known to be pathogenic (PMID: 11326085, 12464675). This variant is present in population databases (rs769595182, gnomAD 0.003%). This variant has not been reported in the literature in individuals affected with LDLRAP1-related conditions. Algorithms developed to predict the effect of sequence changes on RNA splicing suggest that this variant may disrupt the consensus splice site. In summary, the currently available evidence indicates that the variant is pathogenic, but additional data are needed to prove that conclusively. Therefore, this variant has been classified as Likely Pathogenic.

Literature cited by the submitters: PubMed 16199547 (cited by Labcorp Genetics (formerly Invitae), Labcorp); PubMed 11326085 (cited by Labcorp Genetics (formerly Invitae), Labcorp); PubMed 12464675 (cited by Labcorp Genetics (formerly Invitae), Labcorp).